The following is an entry in ClinVar:

ClinVar aggregate classification (germline): Uncertain significance. Review status: criteria provided, multiple submitters, no conflicts (2 of 4 stars). 2 submissions from 2 submitters: Uncertain significance (2). Last evaluated 2024-11-10.

Allele frequency attached by ClinVar (database versions not stated): 1000 Genomes Project 30x 0.00016; 1000 Genomes Project 0.00020.
gnomAD v4.1: 76 of 1,569,916 alleles (0.0048%); highest among the groups gnomAD compares: Admixed American, 0.012%; no homozygotes.

Submissions (2):

Ambry Genetics
Classification: Uncertain significance. Last evaluated: 2024-11-10. Review status: criteria provided, single submitter. Criteria: Ambry Variant Classification Scheme 2023. Collection method: clinical testing. Allele origin: germline.

Labcorp Genetics (formerly Invitae), Labcorp
Classification: Uncertain significance. Last evaluated: 2024-06-26. Review status: criteria provided, single submitter. Criteria: Invitae Variant Classification Sherloc (09022015). Collection method: clinical testing. Allele origin: germline.
Comment: This sequence change replaces arginine, which is basic and polar, with serine, which is neutral and polar, at codon 6 of the DLST protein (p.Arg6Ser). The frequency data for this variant in the population databases is considered unreliable, as metrics indicate poor data quality at this position in the gnomAD database. This variant has not been reported in the literature in individuals affected with DLST-related conditions. ClinVar contains an entry for this variant (Variation ID: 2378238). Experimental studies and prediction algorithms are not available or were not evaluated, and the functional significance of this variant is currently unknown. In summary, the available evidence is currently insufficient to determine the role of this variant in disease. Therefore, it has been classified as a Variant of Uncertain Significance.

NM_001933.5(DLST):c.16C>A (p.Arg6Ser)

Gene: DLST (dihydrolipoamide S-succinyltransferase; plus strand). Cytogenetic location: 14q24.3.
Variant type: single nucleotide variant.
Coding change: c.16C>A on transcript NM_001933.5 (MANE Select); coding-DNA position 16, C replaced by A.
Protein change: p.Arg6Ser; replaces arginine 6 with serine.
Molecular consequence: missense variant. On other transcripts: non-coding transcript variant (2).
Genome position (GRCh38, 1-based): chr14:74,881,969, C>A. VCF-style: chr14-74881969-C-A. GRCh37 (hg19) VCF-style: chr14-75348672-C-A.
Other names: c.16C>A, p.Arg6Ser (NM_001244883.2); short protein forms R6S.
Identifiers: ClinVar variation 2378238 (VCV002378238.5), dbSNP rs544892049, ClinGen allele CA7273258.
Genomic context (GRCh38, chr14:74,881,969, plus strand): 5'-CGGCCCTATATCCGGTGTCCGCCCGCCCTCGGCTCCTCCGCCGTGATGCTGTCCCGATCC[C>A]GCTGTGTGTCTCGGGCGTTCAGCCGCTCGCTCTCCGCCTTCCAGAAGGTACGGTCTGGCC-3'
Protein context (NP_001924.2, residues 1-16): MLSRS[Arg6Ser]CVSRAFSRSL